The following is an entry in ClinVar:

ClinVar aggregate classification (germline): Likely pathogenic. Review status: reviewed by expert panel (3 of 4 stars). 3 submissions from 3 submitters: Likely pathogenic (1). 2 of the submissions do not count toward it. Last evaluated 2026-10-15.

Conditions:
Hereditary thrombocytopenia and hematological cancer predisposition syndrome associated with RUNX1. Also called: PLATELET DISORDER, ASPIRIN-LIKE; RUNX1 Familial Platelet Disorder with Associated Myeloid Malignancies; Familial Platelet Disorder with Propensity to Acute Myelogenous Leukemia; Familial thrombocytopenia with propensity to acute myelogenous leukemia. Identifiers: Orphanet 71290, MedGen C1832388, MeSH C563324, MONDO:0100083, OMIM 601399.
Hereditary thrombocytopenia and hematologic cancer predisposition syndrome. Identifiers: Orphanet 71290, MedGen CN281654, MONDO:0011071.
Inborn genetic diseases. Identifiers: MedGen C0950123, MeSH D030342.

Submissions (3):

ClinGen Myeloid Malignancy Variant Curation Expert Panel
Classification: Likely pathogenic for Hereditary thrombocytopenia and hematologic cancer predisposition syndrome. Last evaluated: 2026-10-15. Review status: reviewed by expert panel. Criteria: ClinGen MyeloMalig ACMG Specifications V3.1. Collection method: curation. Allele origin: germline. Inheritance: Autosomal dominant inheritance.
Comment: NM_001754.4:c.596G>A (p.Gly199Glu) is a missense variant which affects one of the amino acid residues (Gly199) within the RHD (amino acids 89-204; PM1_Supporting). This variant has a REVEL score ≥ 0.88 (0.96) (PP3) and is completely absent from all population databases with at least 20x coverage for RUNX1 (PM2_Supporting). This variant has been reported in two probands meeting at least one of the RUNX1-phenotypic criteria (PS4_Moderate; PMID: 26884589, 25159113, 24732596) and was found to co-segregate with disease in three observed meioses across two families (PP1; PMID: 26884589, 25159113, 24732596). In summary, this variant meets criteria to be classified as likely pathogenic. ACMG/AMP criteria applied, as specified by the Myeloid Malignancy Variant Curation Expert Panel for RUNX1: PM1_Supporting, PP3, PM2_Supporting, PS4_Moderate, PP1.

Ambry Genetics
Classification: Uncertain significance for Inborn genetic diseases. Last evaluated: 2025-10-08. Review status: criteria provided, single submitter. Criteria: Ambry Variant Classification Scheme 2023. Collection method: clinical testing. Allele origin: germline. Not counted in ClinVar's aggregate classification.
Comment: The p.G199E variant (also known as c.596G>A), located in coding exon 5 of the RUNX1 gene, results from a G to A substitution at nucleotide position 596. The glycine at codon 199 is replaced by glutamic acid, an amino acid with similar properties. This variant was reported in individual(s) with features consistent with RUNX1 familial platelet disorder with associated myeloid malignancies (Sakurai M et al. Leukemia, 2014 Dec;28:2344-54; Yoshimi A et al. Ann Oncol, 2016 May;27:887-95; Yoshimi A et al. Nat Commun, 2014 Aug;5:4770; Ambry internal data). Functional studies suggest this variant reduces protein activities; however, additional evidence is needed to confirm this finding (Sakurai M et al. Leukemia, 2014 Dec;28:2344-54). This amino acid position is highly conserved in available vertebrate species. In addition, this alteration is predicted to be deleterious by in silico analysis. Based on the available evidence, the clinical significance of this variant remains unclear.

Labcorp Genetics (formerly Invitae), Labcorp
Classification: Likely pathogenic for Hereditary thrombocytopenia and hematological cancer predisposition syndrome associated with RUNX1. Last evaluated: 2022-05-27. Review status: criteria provided, single submitter. Criteria: Invitae Variant Classification Sherloc (09022015). Collection method: clinical testing. Allele origin: germline. Not counted in ClinVar's aggregate classification.
Comment: This variant is not present in population databases (gnomAD no frequency). This sequence change replaces glycine, which is neutral and non-polar, with glutamic acid, which is acidic and polar, at codon 199 of the RUNX1 protein (p.Gly199Glu). This missense change has been observed in individuals with thrombocytopenia (PMID: 24732596, 25159113, 32208489). It has also been observed to segregate with disease in related individuals. In summary, the currently available evidence indicates that the variant is pathogenic, but additional data are needed to prove that conclusively. Therefore, this variant has been classified as Likely Pathogenic. Experimental studies have shown that this missense change affects RUNX1 function (PMID: 24732596). Algorithms developed to predict the effect of missense changes on protein structure and function are either unavailable or do not agree on the potential impact of this missense change (SIFT: "Deleterious"; PolyPhen-2: "Probably Damaging"; Align-GVGD: "Class C0"). ClinVar contains an entry for this variant (Variation ID: 869210).

Literature cited by the submitters: PubMed 26884589 (cited by ClinGen Myeloid Malignancy Variant Curation Expert Panel and Ambry Genetics); PubMed 24732596 (cited by Ambry Genetics and Labcorp Genetics (formerly Invitae), Labcorp); PubMed 25159113 (cited by Ambry Genetics and Labcorp Genetics (formerly Invitae), Labcorp); PubMed 32208489 (cited by Labcorp Genetics (formerly Invitae), Labcorp).

NM_001754.5(RUNX1):c.596G>A (p.Gly199Glu)

Genes: RUNX1 (RUNX family transcription factor 1; minus strand), RUNX1-AS1 (RUNX1 antisense RNA 1; plus strand). Cytogenetic location: 21q22.12.
Variant type: single nucleotide variant.
Coding change: c.596G>A on transcript NM_001754.5 (MANE Select); coding-DNA position 596, G replaced by A.
Protein change: p.Gly199Glu; replaces glycine 199 with glutamic acid.
Molecular consequence: missense variant.
Genome position (GRCh38, 1-based): chr21:34,859,491, C>T on the plus strand (G>A on the coding strand, the complement: RUNX1 is on the minus strand). VCF-style: chr21-34859491-C-T. GRCh37 (hg19) VCF-style: chr21-36231788-C-T.
Other names: NM_001754.5(RUNX1):c.596G>A; p.Gly199Glu; c.515G>A, p.Gly172Glu (NM_001001890.3, NM_001122607.2); short protein forms G172E, G199E.
Identifiers: ClinVar variation 869210 (VCV000869210.13), dbSNP rs2057541040, ClinGen allele CA410207966.